The following is an entry in ClinVar:

ClinVar aggregate classification (germline): Pathogenic. Review status: criteria provided, multiple submitters, no conflicts (2 of 4 stars). 18 submissions from 18 submitters: Pathogenic (17). 1 of the submissions does not count toward it. Last evaluated 2026-01-27.

Conditions:
PMS2-related disorder. Also called: PMS2-related condition.
Mismatch repair cancer syndrome 4. Identifiers: MedGen C5436817, MONDO:0030843, OMIM 619101.
Lynch syndrome 4 (LYNCH4). Also called: Hereditary non-polyposis colorectal cancer, type 4; Colorectal cancer, hereditary nonpolyposis, type 4. Identifiers: Orphanet 144, MedGen C1838333, MONDO:0013699, OMIM 614337. Disease mechanism: loss of function.
Hereditary nonpolyposis colorectal neoplasms. Identifiers: MedGen C0009405, MeSH D003123.
Hereditary cancer-predisposing syndrome. Also called: Hereditary Cancer Syndrome; Tumor predisposition; Neoplastic Syndromes, Hereditary; Hereditary neoplastic syndrome. Identifiers: Orphanet 140162, MedGen C0027672, MeSH D009386, MONDO:0015356.
Lynch syndrome. Identifiers: Orphanet 144, MedGen C4552100, MONDO:0005835. Disease mechanism: loss of function.

Allele frequency attached by ClinVar (database versions not stated): TOPMed 0.00002.
gnomAD v4.1: 7 of 1,601,158 alleles (0.00044%); highest among the groups gnomAD compares: Non-Finnish European, 0.00026%; no homozygotes.

Submissions 1 to 6 of 18:

Labcorp Genetics (formerly Invitae), Labcorp
Classification: Pathogenic for Hereditary nonpolyposis colorectal neoplasms. Last evaluated: 2026-01-27. Review status: criteria provided, single submitter. Criteria: Invitae Variant Classification Sherloc (09022015). Collection method: clinical testing. Allele origin: germline.
Comment: This sequence change creates a premature translational stop signal (p.Tyr255*) in the PMS2 gene. It is expected to result in an absent or disrupted protein product. Loss-of-function variants in PMS2 are known to be pathogenic (PMID: 21376568, 24362816). This variant is present in population databases (rs573125799, gnomAD 0.007%). This premature translational stop signal has been observed in individual(s) with Lynch syndrome and colorectal cancer (PMID: 23012243, 25856668, 25871621, 25980754). Invitae Evidence Modeling of clinical and family history, age, sex, and reported ancestry of multiple individuals with this PMS2 variant has been performed. This variant is expected to be pathogenic with a positive predictive value of at least 99%. This is a validated machine learning model that incorporates the clinical features of 1,627,235 individuals referred to our laboratory for PMS2 testing. ClinVar contains an entry for this variant (Variation ID: 183716). RNA analysis performed to evaluate the impact of this premature translational stop signal on mRNA splicing indicates it does not significantly alter splicing (internal data). For these reasons, this variant has been classified as Pathogenic.

PreventionGenetics, part of Exact Sciences
Classification: Pathogenic for PMS2-related condition. Last evaluated: 2025-10-13. Review status: criteria provided, single submitter. Criteria: ACMG Guidelines, 2015. Collection method: clinical testing. Allele origin: germline.
Comment: The PMS2 c.765C>A variant is predicted to result in premature protein termination (p.Tyr255*). This variant has been reported in multiple individuals with personal or family histories consistent with Lynch syndrome (Table S1, Vaughn et al. 2013. PubMed ID: 23012243; Table 1, Dudley et al. 2015. PubMed ID: 25871621; Table S1, Yurgelun et al. 2015. PubMed ID: 25980754; Table S1, Goodenberger et al. 2016. PubMed ID: 25856668; Ring et al. 2016. PubMed ID: 27443514; Table S2, Rosty et al. 2016. PubMed ID: 26895986). This variant is reported in 0.0065% of alleles in individuals of European (non-Finnish) descent in gnomAD and it is interpreted as pathogenic in ClinVar (Variation ID: 183716). Nonsense variants in PMS2 are expected to be pathogenic. This variant is interpreted as pathogenic.

ARUP Laboratories, Molecular Genetics and Genomics, ARUP Laboratories
Classification: Pathogenic. Last evaluated: 2025-07-23. Review status: criteria provided, single submitter. Criteria: ARUP Molecular Germline Variant Investigation Process 2024. Collection method: clinical testing. Allele origin: germline.
Comment: The PMS2 c.765C>A; p.Tyr255Ter variant (rs573125799, ClinVar Variation ID 183716) is reported in the literature in numerous individuals affected with Lynch syndrome, ovarian cancer, endometrial cancer and colorectal cancer (Douglas 2022, Dudley 2015, Grzymski 2020, Lilyquist 2017, Liu 2022, Ring 2016, Wang 2018, Yurgelun 2015, Zouk 2019). This variant is only observed on one allele in the Genome Aggregation Database (v2.1.1), indicating it is not a common polymorphism. This variant induces an early termination codon and is predicted to result in a truncated protein or mRNA subject to nonsense-mediated decay. Based on available information, this variant is considered to be pathogenic. References: Douglas et al. Enrichment of cancer-predisposing germline variants in adult and pediatric patients with acute lymphoblastic leukemia. Sci Rep. 2022 Jun 23;12(1):10670. PMID: 35739278. Dudley et al. Germline MLH1 Mutations Are Frequently Identified in Lynch Syndrome Patients With Colorectal and Endometrial Carcinoma Demonstrating Isolated Loss of PMS2 Immunohistochemical Expression. Am J Surg Pathol. 2015 Aug;39(8):1114-20. PMID: 25871621. Grzymski et al. Population genetic screening efficiently identifies carriers of autosomal dominant diseases. Nat Med. 2020 Aug;26(8):1235-1239. PMID: 32719484. Lilyquist et al. Frequency of mutations in a large series of clinically ascertained ovarian cancer cases tested on multi-gene panels compared to reference controls. Gynecol Oncol. 2017 Nov;147(2):375-380. PMID: 28888541 Liu et al. Early age of onset and broad cancer spectrum persist in MSH6- and PMS2-associated Lynch syndrome. Genet Med. 2022 Jun;24(6):1187-1195. PMID: 35346574. Ring et al. Germline multi-gene hereditary cancer panel testing in an unselected endometrial cancer cohort. Mod Pathol. 2016 Nov;29(11):1381-1389. PMID: 27443514. Wang et al. Genetic Risk for Subsequent Neoplasms Among Long-Term Survivors of Childhood Cancer. J Clin Oncol. 2018 Jul 10;36(20):2078-2087. PMID: 29847298 Yurgelun et al. Identification of a Variety of Mutations in Cancer Predisposition Genes in Patients With Suspected Lynch Syndrome. Gastroenterology. 2015 Sep;149(3):604-13.e20. PMID: 25980754 Zouk et al. Harmonizing Clinical Sequencing and Interpretation for the eMERGE III Network. Am J Hum Genet. 2019 Sep 5;105(3):588-605. PMID: 31447099

Color Diagnostics, LLC DBA Color Health
Classification: Pathogenic for Hereditary cancer-predisposing syndrome. Last evaluated: 2025-06-09. Review status: criteria provided, single submitter. Criteria: ACMG Guidelines, 2015. Collection method: clinical testing. Allele origin: germline.
Comment: This variant changes 1 nucleotide in exon 7 of the PMS2 gene, creating a premature translation stop signal. This variant is expected to result in an absent or non-functional protein product. To our knowledge, functional studies have not been reported for this variant. This variant has been reported in at least five individuals affected with Lynch syndrome or colorectal cancer (PMID: 23012243, 25871621, 25856668, 25980754, 26895986) and in an individual with endometrial cancer (PMID: 27443514). This variant has been identified in 1/31080 chromosomes in the general population by the Genome Aggregation Database (gnomAD). Loss of PMS2 function is a known mechanism of disease. Based on the available evidence, this variant is classified as Pathogenic.

Ambry Genetics
Classification: Pathogenic for Hereditary cancer-predisposing syndrome. Last evaluated: 2025-03-25. Review status: criteria provided, single submitter. Criteria: Ambry Variant Classification Scheme 2023. Collection method: clinical testing. Allele origin: germline.
Comment: The p.Y255* pathogenic mutation (also known as c.765C>A), located in coding exon 7 of the PMS2 gene, results from a C to A substitution at nucleotide position 765. This changes the amino acid from a tyrosine to a stop codon within coding exon 7. This mutation has previously been identified in a patient whose sigmoid colon tumor showed microsatellite instability (MSI-H) and isolated absence of PMS2 on immunohistochemistry (IHC) (Dudley B et al. Am. J. Surg. Pathol. 2015 Aug;39:1114-20). This alteration was also identified in a cohort of 1260 individuals undergoing panel testing for Lynch syndrome due to having a diagnosis of a Lynch-associated cancer and/or polyps (Yurgelun MB et al. Gastroenterology. 2015 Sep;149:604-13.e20). In addition to the clinical data presented in the literature, this alteration is expected to result in loss of function by premature protein truncation or nonsense-mediated mRNA decay. As such, this alteration is interpreted as a disease-causing mutation.

All of Us Research Program, National Institutes of Health
Classification: Pathogenic for Lynch syndrome. Last evaluated: 2024-08-01. Review status: criteria provided, single submitter. Criteria: ACMG Guidelines, 2015. Collection method: clinical testing. Allele origin: germline. Inheritance: Autosomal dominant inheritance. Observed: 3 variant alleles, 3 heterozygotes.
Comment: This variant changes 1 nucleotide in exon 7 of the PMS2 gene, creating a premature translation stop signal. This variant is expected to result in an absent or non-functional protein product. To our knowledge, functional studies have not been reported for this variant. This variant has been reported in individuals affected with Lynch syndrome, suspected Lynch syndrome, or colorectal cancer with PMS2-negative immunohistochemistry results (PMID: 23012243, 25871621, 25856668, 25980754, 26895986), or endometrial cancer (PMID: 27443514). This variant has been identified in 1/31080 chromosomes in the general population by the Genome Aggregation Database (gnomAD). Loss of PMS2 function is a known mechanism of disease. Based on the available evidence, this variant is classified as Pathogenic.

This study involves interpretation of variants in research participants for the purpose of population health screening. Participant phenotype was not available at the time of variant classification. Additional details can be found in publication PMID: 35346344, PMCID: PMC8962531

NM_000535.7(PMS2):c.765C>A (p.Tyr255Ter)

Gene: PMS2 (PMS1 homolog 2, mismatch repair system component; minus strand). Cytogenetic location: 7p22.1.
Variant type: single nucleotide variant.
Coding change: c.765C>A on transcript NM_000535.7 (MANE Select); coding-DNA position 765, C replaced by A.
Protein change: p.Tyr255Ter; replaces tyrosine 255 with a stop codon.
Molecular consequence: nonsense. On other transcripts: 5 prime UTR variant (2), non-coding transcript variant (1).
Genome position (GRCh38, 1-based): chr7:5,997,364, G>T on the plus strand (C>A on the coding strand, the complement: PMS2 is on the minus strand). VCF-style: chr7-5997364-G-T. GRCh37 (hg19) VCF-style: chr7-6036995-G-T.
Other names: p.(Tyr255Ter); c.360C>A, p.Tyr120Ter (NM_001322003.2, NM_001322004.2, NM_001322005.2 and 2 more transcripts); c.765C>A, p.Tyr255Ter (NM_001322006.2, NM_001322014.2); c.447C>A, p.Tyr149Ter (NM_001322007.2, NM_001322008.2); c.-169C>A (NM_001322011.2, NM_001322012.2); c.192C>A, p.Tyr64Ter (NM_001322013.2); c.456C>A, p.Tyr152Ter (NM_001322015.2); short protein forms Y255*, Y152*, Y64*, Y120*, Y149*.
Identifiers: ClinVar variation 183716 (VCV000183716.46), dbSNP rs573125799, ClinGen allele CA012753.